The following is an entry in ClinVar:

ClinVar aggregate classification (germline): Likely benign (1 of 4 stars; one submission).

Conditions:
NRP1-related disorder. Also called: NRP1-related condition.

gnomAD v4.1: 3 of 1,614,042 alleles (0.00019%); highest among the groups gnomAD compares: South Asian, 0.0011%; no homozygotes.

Submission:

PreventionGenetics, part of Exact Sciences
Classification: Likely benign for NRP1-related condition. Last evaluated: 2025-12-30. Review status: criteria provided, single submitter. Criteria: ACMG Guidelines, 2015. Collection method: clinical testing. Allele origin: germline.
Comment: This variant is classified as likely benign based on ACMG/AMP sequence variant interpretation guidelines (Richards et al. 2015 PMID: 25741868, with internal and published modifications).

NM_003873.7(NRP1):c.555T>C (p.Ile185=)

Genes: NRP1 (neuropilin 1; minus strand), LOC126860910 (P300/CBP strongly-dependent group 1 enhancer GRCh37_chr10:33552654-33553853; plus strand). Cytogenetic location: 10p11.22.
Variant type: single nucleotide variant.
Coding change: c.555T>C on transcript NM_003873.7 (MANE Select); coding-DNA position 555, T replaced by C.
Protein change: p.Ile185=; no amino-acid change (isoleucine 185 retained).
Molecular consequence: synonymous variant. On other transcripts: non-coding transcript variant (1).
Genome position (GRCh38, 1-based): chr10:33,263,749, A>G on the plus strand (T>C on the coding strand, the complement: NRP1 is on the minus strand). VCF-style: chr10-33263749-A-G. GRCh37 (hg19) VCF-style: chr10-33552677-A-G.
Other names: c.555T>C, p.Ile185= (NM_001024628.3, NM_001024629.3, NM_001244972.2 and 2 more transcripts).
Identifiers: ClinVar variation 4991876 (VCV004991876.1).